The following is an entry in ClinVar:

ClinVar aggregate classification (germline): Uncertain significance (1 of 4 stars; one submission).

Allele frequency attached by ClinVar (database versions not stated): ExAC 0.00003; gnomAD 0.00006; TOPMed 0.00008.

Submission:

Labcorp Genetics (formerly Invitae), Labcorp
Classification: Uncertain significance. Last evaluated: 2022-03-29. Review status: criteria provided, single submitter. Criteria: Invitae Variant Classification Sherloc (09022015). Collection method: clinical testing. Allele origin: germline.
Comment: This sequence change replaces valine, which is neutral and non-polar, with isoleucine, which is neutral and non-polar, at codon 1059 of the RUSC2 protein (p.Val1059Ile). This variant is present in population databases (rs775719273, gnomAD 0.005%). This variant has not been reported in the literature in individuals affected with RUSC2-related conditions. Algorithms developed to predict the effect of missense changes on protein structure and function are either unavailable or do not agree on the potential impact of this missense change (SIFT: "Tolerated"; PolyPhen-2: "Probably Damaging"; Align-GVGD: "Class C0"). In summary, the available evidence is currently insufficient to determine the role of this variant in disease. Therefore, it has been classified as a Variant of Uncertain Significance.

NM_014806.5(RUSC2):c.3175G>A (p.Val1059Ile)

Gene: RUSC2 (RUN and SH3 domain containing 2; plus strand). Cytogenetic location: 9p13.3.
Variant type: single nucleotide variant.
Coding change: c.3175G>A on transcript NM_014806.5 (MANE Select); coding-DNA position 3175, G replaced by A.
Protein change: p.Val1059Ile; replaces valine 1059 with isoleucine.
Molecular consequence: missense variant. On other transcripts: non-coding transcript variant (1).
Genome position (GRCh38, 1-based): chr9:35,558,311, G>A. VCF-style: chr9-35558311-G-A. GRCh37 (hg19) VCF-style: chr9-35558308-G-A.
Other names: c.3175G>A, p.Val1059Ile (NM_001135999.2); c.541G>A, p.Val181Ile (NM_001330740.2); short protein forms V1059I, V181I.
Identifiers: ClinVar variation 2046838 (VCV002046838.1), dbSNP rs775719273, ClinGen allele CA5044073.